The following is an entry in ClinVar:

ClinVar aggregate classification (germline): Likely benign. Review status: criteria provided, multiple submitters, no conflicts (2 of 4 stars). 2 submissions from 2 submitters: Likely benign (2). Last evaluated 2025-11-01.

Conditions:
Inborn genetic diseases. Identifiers: MedGen C0950123, MeSH D030342.

Allele frequency attached by ClinVar (database versions not stated): TOPMed 0.00002; gnomAD 0.00003; gnomAD exomes 0.00003; ExAC 0.00007; 1000 Genomes Project 30x 0.00016; 1000 Genomes Project 0.00020.
gnomAD v4.1: 52 of 1,613,884 alleles (0.0032%); highest among the groups gnomAD compares: East Asian, 0.016%; no homozygotes.

Submissions (2):

CeGaT Center for Human Genetics Tuebingen
Classification: Likely benign. Last evaluated: 2025-11-01. Review status: criteria provided, single submitter. Criteria: CeGaT Center For Human Genetics Tuebingen Variant Classification Criteria Version 2. Collection method: clinical testing. Allele origin: germline. Affected: yes. Observed: 1 variant allele.
Comment: MAP1B: BS2

Ambry Genetics
Classification: Likely benign for Inborn genetic diseases. Last evaluated: 2022-12-01. Review status: criteria provided, single submitter. Criteria: Ambry Variant Classification Scheme 2023. Collection method: clinical testing. Allele origin: germline.

NM_005909.5(MAP1B):c.5224G>A (p.Ala1742Thr)

Gene: MAP1B (microtubule associated protein 1B; plus strand). Cytogenetic location: 5q13.2.
Variant type: single nucleotide variant.
Coding change: c.5224G>A on transcript NM_005909.5 (MANE Select); coding-DNA position 5224, G replaced by A.
Protein change: p.Ala1742Thr; replaces alanine 1742 with threonine.
Molecular consequence: missense variant.
Genome position (GRCh38, 1-based): chr5:72,198,579, G>A. VCF-style: chr5-72198579-G-A. GRCh37 (hg19) VCF-style: chr5-71494406-G-A.
Other names: c.4846G>A, p.Ala1616Thr (NM_001324255.2); short protein forms A1616T, A1742T.
Identifiers: ClinVar variation 2205230 (VCV002205230.7), dbSNP rs568428215, ClinGen allele CA3299291.